The following is an entry in ClinVar:

NM_000186.4(CFH):c.2196G>A (p.Thr732=)

Gene: CFH (complement factor H; plus strand). Cytogenetic location: 1q31.3.
Variant type: single nucleotide variant.
Coding change: c.2196G>A on transcript NM_000186.4 (MANE Select); coding-DNA position 2196, G replaced by A.
Protein change: p.Thr732=; no amino-acid change (threonine 732 retained).
Molecular consequence: synonymous variant.
Genome position (GRCh38, 1-based): chr1:196,726,900, G>A. VCF-style: chr1-196726900-G-A. GRCh37 (hg19) VCF-style: chr1-196696030-G-A.
Identifiers: ClinVar variation 294499 (VCV000294499.12), dbSNP rs144325643, ClinGen allele CA1305597.

ClinVar aggregate classification (germline): Conflicting classifications of pathogenicity. Review status: criteria provided, conflicting classifications (1 of 4 stars). 5 submissions from 2 submitters: Uncertain significance (3); Benign (1); Likely benign (1). Last evaluated 2025-04-17.

Conditions:
Basal laminar drusen. Also called: DRUSEN OF BRUCH MEMBRANE; DRUSEN, CUTICULAR; DRUSEN, EARLY ADULT-ONSET, GROUPED. Identifiers: Orphanet 75376, MedGen C0730295, MONDO:0007472, OMIM 126700.
Hemolytic uremic syndrome, atypical, susceptibility to, 1. Also called: AHUS, SUSCEPTIBILITY TO, 1. Identifiers: Orphanet 2134, Orphanet 90038, MedGen C2749604, MONDO:0009335, OMIM 235400. Disease mechanism: Other.
Age related macular degeneration 4. Identifiers: MedGen C1853147, MONDO:0012540, OMIM 610698.
CFH-Related Dense Deposit Disease / Membranoproliferative Glomerulonephritis Type II. Identifiers: MedGen CN071292.

Allele frequency attached by ClinVar (database versions not stated): gnomAD 0.00006 and 0.00007; TOPMed 0.00010; 1000 Genomes Project 30x 0.00047; 1000 Genomes Project 0.00060.
gnomAD v4.1: 95 of 1,613,638 alleles (0.0059%); highest among the groups gnomAD compares: East Asian, 0.06%; no homozygotes.

Submissions (5):

Labcorp Genetics (formerly Invitae), Labcorp
Classification: Likely benign. Last evaluated: 2025-04-17. Review status: criteria provided, single submitter. Criteria: Invitae Variant Classification Sherloc (09022015). Collection method: clinical testing. Allele origin: germline.

Illumina Laboratory Services, Illumina
Classification: Uncertain significance for Membranoproliferative glomerulonephritis with complement factor h deficiency. Last evaluated: 2018-01-12. Review status: criteria provided, single submitter. Criteria: ICSL Variant Classification Criteria 13 December 2019. Collection method: clinical testing. Allele origin: germline.

Illumina Laboratory Services, Illumina
Classification: Benign for Hemolytic uremic syndrome, atypical, susceptibility to, 1. Last evaluated: 2018-01-12. Review status: criteria provided, single submitter. Criteria: ICSL Variant Classification Criteria 13 December 2019. Collection method: clinical testing. Allele origin: germline.
Comment: This variant was observed in the ICSL laboratory as part of a predisposition screen in an ostensibly healthy population. It had not been previously curated by ICSL or reported in the Human Gene Mutation Database (HGMD: prior to June 1st, 2018), and was therefore a candidate for classification through an automated scoring system. Utilizing variant allele frequency, disease prevalence and penetrance estimates, and inheritance mode, an automated score was calculated to assess if this variant is too frequent to cause the disease. Based on the score and internal cut-off values, a variant classified as benign is not then subjected to further curation. The score for this variant resulted in a classification of benign for this disease.

Illumina Laboratory Services, Illumina
Classification: Uncertain significance for Age related macular degeneration 4. Last evaluated: 2018-01-12. Review status: criteria provided, single submitter. Criteria: ICSL Variant Classification Criteria 13 December 2019. Collection method: clinical testing. Allele origin: germline.

Illumina Laboratory Services, Illumina
Classification: Uncertain significance for Basal laminar drusen. Last evaluated: 2018-01-12. Review status: criteria provided, single submitter. Criteria: ICSL Variant Classification Criteria 13 December 2019. Collection method: clinical testing. Allele origin: germline.